The following is an entry in ClinVar:

ClinVar aggregate classification (germline): Uncertain significance. Review status: criteria provided, multiple submitters, no conflicts (2 of 4 stars). 2 submissions from 2 submitters: Uncertain significance (2). Last evaluated 2025-01-22.

Conditions:
Hereditary cancer-predisposing syndrome. Also called: Tumor predisposition; Hereditary neoplastic syndrome; Hereditary Cancer Syndrome; Neoplastic Syndromes, Hereditary. Identifiers: Orphanet 140162, MedGen C0027672, MeSH D009386, MONDO:0015356.

gnomAD v4.1: 2 of 1,613,770 alleles (0.00012%); highest among the groups gnomAD compares: Non-Finnish European, 0.00017%; no homozygotes.

Submissions (2):

Labcorp Genetics (formerly Invitae), Labcorp
Classification: Uncertain significance for Hereditary cancer-predisposing syndrome. Last evaluated: 2025-01-22. Review status: criteria provided, single submitter. Criteria: Invitae Variant Classification Sherloc (09022015). Collection method: clinical testing. Allele origin: germline.
Comment: This sequence change replaces asparagine, which is neutral and polar, with isoleucine, which is neutral and non-polar, at codon 455 of the RAD50 protein (p.Asn455Ile). This variant is not present in population databases (gnomAD no frequency). This variant has not been reported in the literature in individuals affected with RAD50-related conditions. ClinVar contains an entry for this variant (Variation ID: 2966678). Invitae Evidence Modeling of protein sequence and biophysical properties (such as structural, functional, and spatial information, amino acid conservation, physicochemical variation, residue mobility, and thermodynamic stability) indicates that this missense variant is not expected to disrupt RAD50 protein function with a negative predictive value of 80%. In summary, the available evidence is currently insufficient to determine the role of this variant in disease. Therefore, it has been classified as a Variant of Uncertain Significance.

Ambry Genetics
Classification: Uncertain significance for Hereditary cancer-predisposing syndrome. Last evaluated: 2024-11-22. Review status: criteria provided, single submitter. Criteria: Ambry Variant Classification Scheme 2023. Collection method: clinical testing. Allele origin: germline.
Comment: The p.N455I variant (also known as c.1364A>T), located in coding exon 9 of the RAD50 gene, results from an A to T substitution at nucleotide position 1364. The asparagine at codon 455 is replaced by isoleucine, an amino acid with dissimilar properties. This amino acid position is conserved. In addition, this alteration is predicted to be tolerated by in silico analysis. Since supporting evidence is limited at this time, the clinical significance of this alteration remains unclear.

NM_005732.4(RAD50):c.1364A>T (p.Asn455Ile)

Gene: RAD50 (RAD50 double strand break repair protein; plus strand). Cytogenetic location: 5q31.1.
Variant type: single nucleotide variant.
Coding change: c.1364A>T on transcript NM_005732.4 (MANE Select); coding-DNA position 1364, A replaced by T.
Protein change: p.Asn455Ile; replaces asparagine 455 with isoleucine.
Molecular consequence: missense variant.
Genome position (GRCh38, 1-based): chr5:132,589,749, A>T. VCF-style: chr5-132589749-A-T. GRCh37 (hg19) VCF-style: chr5-131925441-A-T.
Other names: c.1364A>T (NM_005732.3); short protein forms N455I.
Identifiers: ClinVar variation 2966678 (VCV002966678.5), dbSNP rs777486934, ClinGen allele CA360944345.